The following is an entry in ClinVar:

ClinVar aggregate classification (germline): Uncertain significance (1 of 4 stars; one submission).

Allele frequency attached by ClinVar (database versions not stated): gnomAD exomes below 0.00001.
gnomAD v4.1: 1 of 1,613,480 alleles (0.000062%); highest among the groups gnomAD compares: Non-Finnish European, 0.000085%; no homozygotes.

Submission:

Labcorp Genetics (formerly Invitae), Labcorp
Classification: Uncertain significance. Last evaluated: 2025-06-01. Review status: criteria provided, single submitter. Criteria: Invitae Variant Classification Sherloc (09022015). Collection method: clinical testing. Allele origin: germline.
Comment: This sequence change replaces arginine, which is basic and polar, with tryptophan, which is neutral and slightly polar, at codon 427 of the ALPK3 protein (p.Arg427Trp). This variant is not present in population databases (gnomAD no frequency). This variant has not been reported in the literature in individuals affected with ALPK3-related conditions. ClinVar contains an entry for this variant (Variation ID: 1430681). Invitae Evidence Modeling of protein sequence and biophysical properties (such as structural, functional, and spatial information, amino acid conservation, physicochemical variation, residue mobility, and thermodynamic stability) indicates that this missense variant is expected to disrupt ALPK3 protein function with a positive predictive value of 80%. In summary, the available evidence is currently insufficient to determine the role of this variant in disease. Therefore, it has been classified as a Variant of Uncertain Significance.

NM_020778.5(ALPK3):c.673C>T (p.Arg225Trp)

Gene: ALPK3 (alpha kinase 3; plus strand). Cytogenetic location: 15q25.3.
Variant type: single nucleotide variant.
Coding change: c.673C>T on transcript NM_020778.5 (MANE Select); coding-DNA position 673, C replaced by T.
Protein change: p.Arg225Trp; replaces arginine 225 with tryptophan.
Molecular consequence: missense variant.
Genome position (GRCh38, 1-based): chr15:84,839,952, C>T. VCF-style: chr15-84839952-C-T. GRCh37 (hg19) VCF-style: chr15-85383183-C-T.
Other names: short protein forms R225W.
Identifiers: ClinVar variation 1430681 (VCV001430681.8), dbSNP rs2141556445, ClinGen allele CA393373278.